The following is an entry in ClinVar:

ClinVar aggregate classification (germline): Uncertain significance. Review status: criteria provided, multiple submitters, no conflicts (2 of 4 stars). 2 submissions from 2 submitters: Uncertain significance (2). Last evaluated 2024-12-19.

Allele frequency attached by ClinVar (database versions not stated): gnomAD 0.00005; gnomAD exomes 0.00003; TOPMed 0.00005; ESP Exome Variant Server 0.00008.
gnomAD v4.1: 45 of 1,595,938 alleles (0.0028%); highest among the groups gnomAD compares: Admixed American, 0.034%; 1 homozygote.

Submissions (2):

GeneDx
Classification: Uncertain significance. Last evaluated: 2024-12-19. Review status: criteria provided, single submitter. Criteria: GeneDx Variant Classification Process June 2021. Collection method: clinical testing. Allele origin: germline. Affected: yes.
Comment: In silico analysis indicates that this missense variant does not alter protein structure/function; Has not been previously published as pathogenic or benign to our knowledge

Ambry Genetics
Classification: Uncertain significance. Last evaluated: 2021-10-12. Review status: criteria provided, single submitter. Criteria: Ambry Variant Classification Scheme 2023. Collection method: clinical testing. Allele origin: germline.

NM_001134225.2(INPP4A):c.668C>T (p.Ser223Leu)

Gene: INPP4A (inositol polyphosphate-4-phosphatase type I A; plus strand). Cytogenetic location: 2q11.2.
Variant type: single nucleotide variant.
Coding change: c.668C>T on transcript NM_001134225.2 (MANE Select); coding-DNA position 668, C replaced by T.
Protein change: p.Ser223Leu; replaces serine 223 with leucine.
Molecular consequence: missense variant.
Genome position (GRCh38, 1-based): chr2:98,538,979, C>T. VCF-style: chr2-98538979-C-T. GRCh37 (hg19) VCF-style: chr2-99155442-C-T.
Other names: c.668C>T, p.Ser223Leu (NM_001134224.2, NM_001351424.1, NM_001351425.2 and 6 more transcripts); short protein forms S223L.
Identifiers: ClinVar variation 2362156 (VCV002362156.3), dbSNP rs374754606, ClinGen allele CA1794347.